The following is an entry in ClinVar:

ClinVar aggregate classification (germline): Uncertain significance. Review status: criteria provided, multiple submitters, no conflicts (2 of 4 stars). 3 submissions from 3 submitters: Uncertain significance (2). 1 of the submissions does not count toward it. Last evaluated 2025-09-10.

Conditions:
RPE65-related disorder. Also called: RPE65-related disorders; RPE65-related condition. Identifiers: MedGen CN239301.
Leber congenital amaurosis 2 (LCA2). Also called: Autosomal Recessive RPE65-Related Retinal Degeneration; AMAUROSIS CONGENITA OF LEBER II. Identifiers: Orphanet 65, MedGen C1859844, MONDO:0008765, OMIM 204100. Disease mechanism: loss of function.
Retinitis pigmentosa 20 (RP20). Identifiers: Orphanet 791, MedGen C3151086, MONDO:0013425, OMIM 613794.
Leber congenital amaurosis (LCA). Also called: Leber's amaurosis. Identifiers: Orphanet 65, MedGen C0339527, MeSH D057130, MONDO:0018998.

Allele frequency attached by ClinVar (database versions not stated): ExAC 0.00004; gnomAD 0.00004; gnomAD exomes 0.00005 and 0.00008; TOPMed 0.00005; ESP Exome Variant Server 0.00015.
gnomAD v4.1: 124 of 1,613,416 alleles (0.0077%); highest among the groups gnomAD compares: Non-Finnish European, 0.01%; no homozygotes.

Submissions (3):

PreventionGenetics, part of Exact Sciences
Classification: Uncertain significance for RPE65-related condition. Last evaluated: 2025-09-10. Review status: criteria provided, single submitter. Criteria: ACMG Guidelines, 2015. Collection method: clinical testing. Allele origin: germline.
Comment: The RPE65 c.106C>T variant is predicted to result in the amino acid substitution p.Leu36Phe. To our knowledge, this variant has not been reported in the literature. This variant is present in 0.0085% of alleles in individuals of European (Non-Finnish) descent in gnomAD. At this time, the clinical significance of this variant is uncertain due to the absence of conclusive functional and genetic evidence.

Labcorp Genetics (formerly Invitae), Labcorp
Classification: Uncertain significance for Leber congenital amaurosis 2; Retinitis pigmentosa 20. Last evaluated: 2024-12-02. Review status: criteria provided, single submitter. Criteria: Invitae Variant Classification Sherloc (09022015). Collection method: clinical testing. Allele origin: germline.
Comment: This sequence change replaces leucine, which is neutral and non-polar, with phenylalanine, which is neutral and non-polar, at codon 36 of the RPE65 protein (p.Leu36Phe). This variant is present in population databases (rs371586530, gnomAD 0.009%). This variant has not been reported in the literature in individuals affected with RPE65-related conditions. ClinVar contains an entry for this variant (Variation ID: 965484). Invitae Evidence Modeling of protein sequence and biophysical properties (such as structural, functional, and spatial information, amino acid conservation, physicochemical variation, residue mobility, and thermodynamic stability) indicates that this missense variant is not expected to disrupt RPE65 protein function with a negative predictive value of 80%. In summary, the available evidence is currently insufficient to determine the role of this variant in disease. Therefore, it has been classified as a Variant of Uncertain Significance.

Natera, Inc.
Classification: Uncertain significance for Leber congenital amaurosis. Last evaluated: 2020-02-26. Review status: no assertion criteria provided. Collection method: clinical testing. Allele origin: germline. Not counted in ClinVar's aggregate classification.

NM_000329.3(RPE65):c.106C>T (p.Leu36Phe)

Gene: RPE65 (retinoid isomerohydrolase RPE65; minus strand). Cytogenetic location: 1p31.3.
Variant type: single nucleotide variant.
Coding change: c.106C>T on transcript NM_000329.3 (MANE Select); coding-DNA position 106, C replaced by T.
Protein change: p.Leu36Phe; replaces leucine 36 with phenylalanine.
Molecular consequence: missense variant.
Genome position (GRCh38, 1-based): chr1:68,446,849, G>A on the plus strand (C>T on the coding strand, the complement: RPE65 is on the minus strand). VCF-style: chr1-68446849-G-A. GRCh37 (hg19) VCF-style: chr1-68912532-G-A.
Other names: short protein forms L36F.
Identifiers: ClinVar variation 965484 (VCV000965484.7), dbSNP rs371586530, ClinGen allele CA902594.